The following is an entry in ClinVar:

ClinVar aggregate classification (germline): Uncertain significance (1 of 4 stars; one submission).

Conditions:
Adenylosuccinate lyase deficiency (ADSLD). Also called: ADSL DEFICIENCY. Identifiers: Orphanet 46, MedGen C0268126, MONDO:0007068, OMIM 103050.

Submission:

Labcorp Genetics (formerly Invitae), Labcorp
Classification: Uncertain significance for Adenylosuccinate lyase deficiency. Last evaluated: 2024-02-24. Review status: criteria provided, single submitter. Criteria: Invitae Variant Classification Sherloc (09022015). Collection method: clinical testing. Allele origin: germline.
Comment: This variant occurs in a non-coding region of the ADSL gene. It does not change the encoded amino acid sequence of the ADSL protein. This variant is not present in population databases (gnomAD no frequency). This variant has not been reported in the literature in individuals affected with ADSL-related conditions. Experimental studies and prediction algorithms are not available or were not evaluated, and the functional significance of this variant is currently unknown. In summary, the available evidence is currently insufficient to determine the role of this variant in disease. Therefore, it has been classified as a Variant of Uncertain Significance.

NC_000022.11:g.40345481C>T

Gene: ADSL (adenylosuccinate lyase; plus strand). Cytogenetic location: 22q13.1.
Variant type: single nucleotide variant.
Genome position: GRCh38 VCF-style: chr22-40345481-C-T. GRCh37 (hg19) VCF-style: chr22-40741485-C-T.
Identifiers: ClinVar variation 1403845 (VCV001403845.6), dbSNP rs2146607081, ClinGen allele CA2573158326.